The following is an entry in ClinVar:

ClinVar aggregate classification (germline): Uncertain significance (1 of 4 stars; one submission).

Conditions:
3-Methylglutaconic aciduria type 3 (MGCA3). Also called: OPA3, AUTOSOMAL RECESSIVE; OPTIC ATROPHY 3, AUTOSOMAL RECESSIVE; OPA3-Related 3-Methylglutaconic Aciduria; Costeff Syndrome. Identifiers: Orphanet 67047, MedGen C0574084, MONDO:0009787, OMIM 258501.
Optic atrophy 3 (OPA3). Also called: OPTIC ATROPHY 3, AUTOSOMAL DOMINANT; Optic atrophy, cataract, and neurologic disorder; Optic atrophy 3 with cataract. Identifiers: Orphanet 67036, MedGen C1833809, MONDO:0008133, OMIM 165300.

Submission:

Labcorp Genetics (formerly Invitae), Labcorp
Classification: Uncertain significance for 3-Methylglutaconic aciduria type 3; Optic atrophy 3. Last evaluated: 2023-09-18. Review status: criteria provided, single submitter. Criteria: Invitae Variant Classification Sherloc (09022015). Collection method: clinical testing. Allele origin: germline.
Comment: In summary, the available evidence is currently insufficient to determine the role of this variant in disease. Therefore, it has been classified as a Variant of Uncertain Significance. Variants that disrupt the consensus splice site are a relatively common cause of aberrant splicing (PMID: 17576681, 9536098). Algorithms developed to predict the effect of sequence changes on RNA splicing suggest that this variant may disrupt the consensus splice site. This variant has not been reported in the literature in individuals affected with OPA3-related conditions. This variant is not present in population databases (gnomAD no frequency). This sequence change falls in intron 1 of the OPA3 gene. It does not directly change the encoded amino acid sequence of the OPA3 protein. It affects a nucleotide within the consensus splice site.

Literature cited by the submitters: PubMed 17576681; PubMed 9536098.

NM_025136.4(OPA3):c.142+3_142+6del

Genes: OPA3 (outer mitochondrial membrane lipid metabolism regulator OPA3; minus strand), OPA3-RTN2 (OPA3-RTN2 readthrough; minus strand). Cytogenetic location: 19q13.32.
Variant type: Deletion.
Coding change: c.142+3_142+6del on transcript NM_025136.4 (MANE Select); bases 3 to 6 of the intron after coding-DNA position 142, 4 bases deleted (GAGT; older notation c.142+3_142+6delGAGT).
Molecular consequence: splice donor variant.
Genome position (GRCh38, 1-based): chr19:45,584,617-45,584,620, ACTC deleted on the plus strand (GAGT on the coding strand, the reverse complement: OPA3 is on the minus strand); deleting any 4 consecutive bases within chr19:45,584,617-45,584,622 gives the same sequence; the c. name uses the placement nearest the transcript's 3' end. VCF-style (leftmost placement, unchanged base first): chr19-45584616-GACTC-G. GRCh37 (hg19) VCF-style: chr19-46087874-GACTC-G.
Other names: c.142+3_142+6del (NM_001017989.3).
Identifiers: ClinVar variation 2932531 (VCV002932531.3), dbSNP rs1361068665, ClinGen allele CA406378031.
Genomic context (GRCh38, chr19:45,584,616, plus strand): 5'-CCTAAGCAACCACCTGACAGGGGTTGGAGAAAGGAAAAAGGTTGGAGGGAATTCGGGTCA[GACTC>G]ACGTTGAGCCGGCGGGAGGCAGATATAGGTCTTGAAGAACTCGCTTCGGCGGGCGGCCTC-3'